The following is an entry in ClinVar:

NM_015047.3(EMC1):c.945C>G (p.Asn315Lys)

Genes: EMC1 (ER membrane protein complex subunit 1; minus strand), EMC1-AS1 (EMC1 antisense RNA 1; plus strand). Cytogenetic location: 1p36.13.
Variant type: single nucleotide variant.
Coding change: c.945C>G on transcript NM_015047.3 (MANE Select); coding-DNA position 945, C replaced by G.
Protein change: p.Asn315Lys; replaces asparagine 315 with lysine.
Molecular consequence: missense variant.
Genome position (GRCh38, 1-based): chr1:19,239,827, G>C on the plus strand (C>G on the coding strand, the complement: EMC1 is on the minus strand). VCF-style: chr1-19239827-G-C. GRCh37 (hg19) VCF-style: chr1-19566321-G-C.
Other names: c.945C>G, p.Asn315Lys (NM_001271427.2, NM_001271428.2, NM_001375820.1 and 1 more transcripts); c.879C>G, p.Asn293Lys (NM_001271429.2); short protein forms N315K, N293K.
Identifiers: ClinVar variation 2782929 (VCV002782929.3), dbSNP rs780192600, ClinGen allele CA338767931.

ClinVar aggregate classification (germline): Uncertain significance (1 of 4 stars; one submission).

Submission:

Labcorp Genetics (formerly Invitae), Labcorp
Classification: Uncertain significance. Last evaluated: 2025-05-11. Review status: criteria provided, single submitter. Criteria: Invitae Variant Classification Sherloc (09022015). Collection method: clinical testing. Allele origin: germline.
Comment: This sequence change replaces asparagine, which is neutral and polar, with lysine, which is basic and polar, at codon 315 of the EMC1 protein (p.Asn315Lys). This variant is present in population databases (no rsID available, gnomAD 0.01%). This variant has not been reported in the literature in individuals affected with EMC1-related conditions. ClinVar contains an entry for this variant (Variation ID: 2782929). Invitae Evidence Modeling of protein sequence and biophysical properties (such as structural, functional, and spatial information, amino acid conservation, physicochemical variation, residue mobility, and thermodynamic stability) indicates that this missense variant is not expected to disrupt EMC1 protein function with a negative predictive value of 80%. In summary, the available evidence is currently insufficient to determine the role of this variant in disease. Therefore, it has been classified as a Variant of Uncertain Significance.